The following is an entry in ClinVar:

NM_053025.4(MYLK):c.5597C>T (p.Ser1866Phe)

Genes: MYLK-AS1 (MYLK antisense RNA 1; plus strand), MYLK (myosin light chain kinase; minus strand). Cytogenetic location: 3q21.1.
Variant type: single nucleotide variant.
Coding change: c.5597C>T on transcript NM_053025.4 (MANE Select); coding-DNA position 5597, C replaced by T.
Protein change: p.Ser1866Phe; replaces serine 1866 with phenylalanine.
Molecular consequence: missense variant.
Genome position (GRCh38, 1-based): chr3:123,614,253, G>A on the plus strand (C>T on the coding strand, the complement: MYLK is on the minus strand). VCF-style: chr3-123614253-G-A. GRCh37 (hg19) VCF-style: chr3-123333100-G-A.
Other names: c.5069C>T, p.Ser1690Phe (NM_001321309.2); c.5390C>T, p.Ser1797Phe (NM_053026.4); c.5444C>T, p.Ser1815Phe (NM_053027.4); c.5237C>T, p.Ser1746Phe (NM_053028.4); c.314C>T, p.Ser105Phe (NM_053031.4); c.317C>T, p.Ser106Phe (NM_053032.4); c.5597C>T (NM_053025.3); short protein forms S1866F, S105F, S106F, S1746F, S1797F, S1690F, S1815F.
Identifiers: ClinVar variation 2891964 (VCV002891964.4), dbSNP rs1375537920, ClinGen allele CA354229048.

ClinVar aggregate classification (germline): Uncertain significance. Review status: criteria provided, multiple submitters, no conflicts (2 of 4 stars). 2 submissions from 2 submitters: Uncertain significance (2). Last evaluated 2025-10-29.

Conditions:
Aortic aneurysm, familial thoracic 7 (AAT7). Also called: AORTIC DISSECTION, FAMILIAL, WITH OR WITHOUT AORTIC ANEURYSM. Identifiers: MedGen C3151077, MONDO:0013418, OMIM 613780.

Allele frequency attached by ClinVar (database versions not stated): gnomAD exomes below 0.00001.
gnomAD v4.1: 1 of 1,614,098 alleles (0.000062%); highest among the groups gnomAD compares: Non-Finnish European, 0.000085%; no homozygotes.

Submissions (2):

Labcorp Genetics (formerly Invitae), Labcorp
Classification: Uncertain significance for Aortic aneurysm, familial thoracic 7. Last evaluated: 2025-10-29. Review status: criteria provided, single submitter. Criteria: Invitae Variant Classification Sherloc (09022015). Collection method: clinical testing. Allele origin: germline.
Comment: This sequence change replaces serine, which is neutral and polar, with phenylalanine, which is neutral and non-polar, at codon 1866 of the MYLK protein (p.Ser1866Phe). This variant is present in population databases (no rsID available, gnomAD 0.0009%). This variant has not been reported in the literature in individuals affected with MYLK-related conditions. ClinVar contains an entry for this variant (Variation ID: 2891964). Invitae Evidence Modeling of protein sequence and biophysical properties (such as structural, functional, and spatial information, amino acid conservation, physicochemical variation, residue mobility, and thermodynamic stability) has been performed for this missense variant. However, the output from this modeling did not meet the statistical confidence thresholds required to predict the impact of this variant on MYLK protein function. In summary, the available evidence is currently insufficient to determine the role of this variant in disease. Therefore, it has been classified as a Variant of Uncertain Significance.

GeneDx
Classification: Uncertain significance. Last evaluated: 2024-03-07. Review status: criteria provided, single submitter. Criteria: GeneDx Variant Classification Process June 2021. Collection method: clinical testing. Allele origin: germline. Affected: yes.
Comment: Not observed at significant frequency in large population cohorts (gnomAD); In silico analysis supports that this missense variant has a deleterious effect on protein structure/function; Has not been previously published as pathogenic or benign to our knowledge